The following is an entry in ClinVar:

NM_001379500.1(COL18A1):c.1778C>T (p.Pro593Leu)

Gene: COL18A1 (collagen type XVIII alpha 1 chain; plus strand). Cytogenetic location: 21q22.3.
Variant type: single nucleotide variant.
Coding change: c.1778C>T on transcript NM_001379500.1 (MANE Select); coding-DNA position 1778, C replaced by T.
Protein change: p.Pro593Leu; replaces proline 593 with leucine.
Molecular consequence: missense variant.
Genome position (GRCh38, 1-based): chr21:45,486,937, C>T. VCF-style: chr21-45486937-C-T. GRCh37 (hg19) VCF-style: chr21-46906851-C-T.
Other names: NM_130445.2:c.1778C>T; c.2318C>T, p.Pro773Leu (NM_030582.4); c.3023C>T, p.Pro1008Leu (NM_130444.3); short protein forms P1008L, P773L, P593L.
Identifiers: ClinVar variation 1379005 (VCV001379005.7), dbSNP rs2145964688, ClinGen allele CA410496296.

ClinVar aggregate classification (germline): Uncertain significance. Review status: criteria provided, multiple submitters, no conflicts (2 of 4 stars). 2 submissions from 2 submitters: Uncertain significance (2). Last evaluated 2023-12-09.

Allele frequency attached by ClinVar (database versions not stated): gnomAD exomes below 0.00001.
gnomAD v4.1: 3 of 1,503,798 alleles (0.0002%); highest among the groups gnomAD compares: Middle Eastern, 0.048%; 1 homozygote.

Submissions (2):

GeneDx
Classification: Uncertain significance. Last evaluated: 2023-12-09. Review status: criteria provided, single submitter. Criteria: GeneDx Variant Classification Process June 2021. Collection method: clinical testing. Allele origin: germline. Affected: yes.
Comment: Has not been previously published as pathogenic or benign to our knowledge; Not observed at significant frequency in large population cohorts (gnomAD); In silico analysis supports that this missense variant has a deleterious effect on protein structure/function; In silico analysis is inconclusive as to whether the variant alters gene splicing. In the absence of RNA/functional studies, the actual effect of this sequence change is unknown.

Labcorp Genetics (formerly Invitae), Labcorp
Classification: Uncertain significance. Last evaluated: 2021-09-01. Review status: criteria provided, single submitter. Criteria: Invitae Variant Classification Sherloc (09022015). Collection method: clinical testing. Allele origin: germline.
Comment: This sequence change replaces proline with leucine at codon 593 of the COL18A1 protein (p.Pro593Leu). There is a moderate physicochemical difference between proline and leucine. The frequency data for this variant in the population databases is considered unreliable, as metrics indicate insufficient coverage at this position in the ExAC database. This variant has not been reported in the literature in individuals affected with COL18A1-related conditions. Experimental studies and prediction algorithms are not available or were not evaluated, and the functional significance of this variant is currently unknown. In summary, the available evidence is currently insufficient to determine the role of this variant in disease. Therefore, it has been classified as a Variant of Uncertain Significance.